The following is an entry in ClinVar:

NM_013275.6(ANKRD11):c.4789C>T (p.Arg1597Cys)

Gene: ANKRD11 (ankyrin repeat domain containing 11; minus strand). Cytogenetic location: 16q24.3.
Variant type: single nucleotide variant.
Coding change: c.4789C>T on transcript NM_013275.6 (MANE Select); coding-DNA position 4789, C replaced by T.
Protein change: p.Arg1597Cys; replaces arginine 1597 with cysteine.
Molecular consequence: missense variant.
Genome position (GRCh38, 1-based): chr16:89,281,753, G>A on the plus strand (C>T on the coding strand, the complement: ANKRD11 is on the minus strand). VCF-style: chr16-89281753-G-A. GRCh37 (hg19) VCF-style: chr16-89348161-G-A.
Other names: c.4789C>T, p.Arg1597Cys (NM_001256182.2, NM_001256183.2); short protein forms R1597C.
Identifiers: ClinVar variation 3360306 (VCV003360306.1).
Genomic context (GRCh38, chr16:89,281,753, plus strand): 5'-CTCCGGACCGGTGCCTCAGCTTCTCCATTTGCTTCATCCTCTCCTTGTGCCGCTTGTGGC[G>A]CTCCTCGATCTCCAGGTCCTTCTGGGACAGCATCCTCTCGAAGCTGGTCATCATCAGGTC-3'
Protein context (NP_037407.4, residues 1587-1607): LSQKDLEIEE[Arg1597Cys]HKRHKERMKQ

ClinVar aggregate classification (germline): Uncertain significance (1 of 4 stars; one submission).

Submission:

GeneDx
Classification: Uncertain significance. Last evaluated: 2023-06-26. Review status: criteria provided, single submitter. Criteria: GeneDx Variant Classification Process June 2021. Collection method: clinical testing. Allele origin: germline. Affected: yes.
Comment: Not observed at significant frequency in large population cohorts (gnomAD); In silico analysis supports that this missense variant has a deleterious effect on protein structure/function; Has not been previously published as pathogenic or benign to our knowledge